The following is an entry in ClinVar:

NM_014679.5(CEP57):c.1403T>A (p.Leu468Gln)

Gene: CEP57 (centrosomal protein 57; plus strand). Cytogenetic location: 11q21.
Variant type: single nucleotide variant.
Coding change: c.1403T>A on transcript NM_014679.5 (MANE Select); coding-DNA position 1403, T replaced by A.
Protein change: p.Leu468Gln; replaces leucine 468 with glutamine.
Molecular consequence: missense variant.
Genome position (GRCh38, 1-based): chr11:95,831,156, T>A. VCF-style: chr11-95831156-T-A. GRCh37 (hg19) VCF-style: chr11-95564320-T-A.
Other names: c.1376T>A, p.Leu459Gln (NM_001243776.2); c.1325T>A, p.Leu442Gln (NM_001243777.2); c.1322T>A, p.Leu441Gln (NM_001363604.2); short protein forms L459Q, L468Q, L442Q, L441Q.
Identifiers: ClinVar variation 664204 (VCV000664204.12), dbSNP rs146538238, ClinGen allele CA6239789.

ClinVar aggregate classification (germline): Uncertain significance. Review status: criteria provided, multiple submitters, no conflicts (2 of 4 stars). 2 submissions from 2 submitters: Uncertain significance (2). Last evaluated 2025-11-13.

Conditions:
Mosaic variegated aneuploidy syndrome 2 (MVA2). Identifiers: Orphanet 1052, MedGen C3279843, MONDO:0013582, OMIM 614114.

Allele frequency attached by ClinVar (database versions not stated): ESP Exome Variant Server 0.00008; gnomAD 0.00019 and 0.00016; ExAC 0.00003; gnomAD exomes 0.00004; TOPMed 0.00012.
gnomAD v4.1: 43 of 1,613,378 alleles (0.0027%); highest among the groups gnomAD compares: African/African-American, 0.044%; no homozygotes.

Submissions (2):

Dasa
Classification: Uncertain significance. Last evaluated: 2025-11-13. Review status: criteria provided, single submitter. Criteria: DASA Assertion Criteria. Collection method: clinical testing. Allele origin: germline.
Comment: NM_014679.5(CEP57):c.1403T>A (p.Leu468Gln) is a missense variant that results in the substitution of leucine with glutamine. This variant is rare in population databases. Computational prediction algorithms are consistent with a benign effect. The currently available literature and clinical evidence are not sufficient to establish a definitive association between this variant and the reported condition. Therefore, this variant is classified as a variant of uncertain significance.

Labcorp Genetics (formerly Invitae), Labcorp
Classification: Uncertain significance for Mosaic variegated aneuploidy syndrome 2. Last evaluated: 2025-06-30. Review status: criteria provided, single submitter. Criteria: Invitae Variant Classification Sherloc (09022015). Collection method: clinical testing. Allele origin: germline.
Comment: This sequence change replaces leucine, which is neutral and non-polar, with glutamine, which is neutral and polar, at codon 468 of the CEP57 protein (p.Leu468Gln). This variant is present in population databases (rs146538238, gnomAD 0.05%). This variant has not been reported in the literature in individuals affected with CEP57-related conditions. ClinVar contains an entry for this variant (Variation ID: 664204). Invitae Evidence Modeling of protein sequence and biophysical properties (such as structural, functional, and spatial information, amino acid conservation, physicochemical variation, residue mobility, and thermodynamic stability) indicates that this missense variant is not expected to disrupt CEP57 protein function with a negative predictive value of 80%. In summary, the available evidence is currently insufficient to determine the role of this variant in disease. Therefore, it has been classified as a Variant of Uncertain Significance.